The following is an entry in ClinVar:

NM_000179.3(MSH6):c.3613A>G (p.Thr1205Ala)

Gene: MSH6 (mutS homolog 6; plus strand). Cytogenetic location: 2p16.3.
Variant type: single nucleotide variant.
Coding change: c.3613A>G on transcript NM_000179.3 (MANE Select); coding-DNA position 3613, A replaced by G.
Protein change: p.Thr1205Ala; replaces threonine 1205 with alanine.
Molecular consequence: missense variant.
Genome position (GRCh38, 1-based): chr2:47,805,674, A>G. VCF-style: chr2-47805674-A-G. GRCh37 (hg19) VCF-style: chr2-48032813-A-G.
Other names: c.3223A>G, p.Thr1075Ala (NM_001281492.2); c.2707A>G, p.Thr903Ala (NM_001281493.2, NM_001281494.2); short protein forms T1205A, T1075A, T903A.
Identifiers: ClinVar variation 425199 (VCV000425199.53), dbSNP rs1064797252, ClinGen allele CA16621748.

ClinVar aggregate classification (germline): Uncertain significance. Review status: criteria provided, multiple submitters, no conflicts (2 of 4 stars). 5 submissions from 5 submitters: Uncertain significance (5). Last evaluated 2024-10-02.

Conditions:
Hereditary nonpolyposis colorectal neoplasms. Identifiers: MedGen C0009405, MeSH D003123.
Hereditary cancer-predisposing syndrome. Also called: Tumor predisposition; Hereditary neoplastic syndrome; Hereditary Cancer Syndrome; Neoplastic Syndromes, Hereditary. Identifiers: Orphanet 140162, MedGen C0027672, MeSH D009386, MONDO:0015356.
Lynch syndrome 5 (LYNCH5). Also called: Hereditary non-polyposis colorectal cancer, type 5; Colorectal cancer, hereditary nonpolyposis, type 5. Identifiers: Orphanet 144, MedGen C1833477, MONDO:0013710, OMIM 614350. Disease mechanism: loss of function.

Allele frequency attached by ClinVar (database versions not stated): gnomAD exomes below 0.00001.
gnomAD v4.1: 1 of 1,613,570 alleles (0.000062%); highest among the groups gnomAD compares: Non-Finnish European, 0.000085%; no homozygotes.

Submissions (5):

Molecular Pathology, Peter Maccallum Cancer Centre
Classification: Uncertain significance for Lynch syndrome 5. Last evaluated: 2024-10-02. Review status: criteria provided, single submitter. Criteria: ACMG Guidelines, 2015. Collection method: clinical testing. Allele origin: germline. Inheritance: Autosomal dominant inheritance.

Color Diagnostics, LLC DBA Color Health
Classification: Uncertain significance for Hereditary cancer-predisposing syndrome. Last evaluated: 2023-12-04. Review status: criteria provided, single submitter. Criteria: ACMG Guidelines, 2015. Collection method: clinical testing. Allele origin: germline.
Comment: This missense variant replaces threonine with alanine at codon 1205 of the MSH6 protein. Computational prediction suggests that this variant may have deleterious impact on protein structure and function (internally defined REVEL score threshold >= 0.7, PMID: 27666373). To our knowledge, functional studies have not been reported for this variant. This variant has not been reported in individuals affected with MSH6-related disorders in the literature. This variant has not been identified in the general population by the Genome Aggregation Database (gnomAD). The available evidence is insufficient to determine the role of this variant in disease conclusively. Therefore, this variant is classified as a Variant of Uncertain Significance.

Ambry Genetics
Classification: Uncertain significance for Hereditary cancer-predisposing syndrome. Last evaluated: 2023-09-05. Review status: criteria provided, single submitter. Criteria: Ambry Variant Classification Scheme 2023. Collection method: clinical testing. Allele origin: germline.
Comment: The p.T1205A variant (also known as c.3613A>G), located in coding exon 7 of the MSH6 gene, results from an A to G substitution at nucleotide position 3613. The threonine at codon 1205 is replaced by alanine, an amino acid with similar properties. This amino acid position is highly conserved in available vertebrate species. In addition, this alteration is predicted to be deleterious by in silico analysis. Since supporting evidence is limited at this time, the clinical significance of this alteration remains unclear.

Labcorp Genetics (formerly Invitae), Labcorp
Classification: Uncertain significance for Hereditary nonpolyposis colorectal neoplasms. Last evaluated: 2022-12-20. Review status: criteria provided, single submitter. Criteria: Invitae Variant Classification Sherloc (09022015). Collection method: clinical testing. Allele origin: germline.
Comment: This variant has not been reported in the literature in individuals affected with MSH6-related conditions. This variant is not present in population databases (gnomAD no frequency). This sequence change replaces threonine, which is neutral and polar, with alanine, which is neutral and non-polar, at codon 1205 of the MSH6 protein (p.Thr1205Ala). ClinVar contains an entry for this variant (Variation ID: 425199). In summary, the available evidence is currently insufficient to determine the role of this variant in disease. Therefore, it has been classified as a Variant of Uncertain Significance. Advanced modeling of protein sequence and biophysical properties (such as structural, functional, and spatial information, amino acid conservation, physicochemical variation, residue mobility, and thermodynamic stability) has been performed at Invitae for this missense variant, however the output from this modeling did not meet the statistical confidence thresholds required to predict the impact of this variant on MSH6 protein function.

CeGaT Center for Human Genetics Tuebingen
Classification: Uncertain significance. Last evaluated: 2017-01-01. Review status: criteria provided, single submitter. Criteria: CeGaT Center For Human Genetics Tuebingen Variant Classification Criteria Version 2. Collection method: clinical testing. Allele origin: germline. Affected: yes. Observed: 1 variant allele.